The following is an entry in ClinVar:

ClinVar aggregate classification (germline): Uncertain significance (1 of 4 stars; one submission).

Conditions:
Congenital muscular hypertrophy-cerebral syndrome (CDLS2). Also called: SMC1A-Related Cornelia de Lange Syndrome; Cornelia de Lange syndrome 2. Identifiers: Orphanet 199, MedGen C1802395, MONDO:0010370, OMIM 300590.

Submission:

Labcorp Genetics (formerly Invitae), Labcorp
Classification: Uncertain significance for Congenital muscular hypertrophy-cerebral syndrome. Last evaluated: 2022-10-13. Review status: criteria provided, single submitter. Criteria: Invitae Variant Classification Sherloc (09022015). Collection method: clinical testing. Allele origin: germline.
Comment: In summary, the available evidence is currently insufficient to determine the role of this variant in disease. Therefore, it has been classified as a Variant of Uncertain Significance. Advanced modeling of protein sequence and biophysical properties (such as structural, functional, and spatial information, amino acid conservation, physicochemical variation, residue mobility, and thermodynamic stability) performed at Invitae indicates that this missense variant is not expected to disrupt SMC1A protein function. This variant has not been reported in the literature in individuals affected with SMC1A-related conditions. This variant is not present in population databases (gnomAD no frequency). This sequence change replaces aspartic acid, which is acidic and polar, with asparagine, which is neutral and polar, at codon 1209 of the SMC1A protein (p.Asp1209Asn).

NM_006306.4(SMC1A):c.3625G>A (p.Asp1209Asn)

Gene: SMC1A (structural maintenance of chromosomes 1A; minus strand). Cytogenetic location: Xp11.22.
Variant type: single nucleotide variant.
Coding change: c.3625G>A on transcript NM_006306.4 (MANE Select); coding-DNA position 3625, G replaced by A.
Protein change: p.Asp1209Asn; replaces aspartic acid 1209 with asparagine.
Molecular consequence: missense variant.
Genome position (GRCh38, 1-based): chrX:53,380,180, C>T on the plus strand (G>A on the coding strand, the complement: SMC1A is on the minus strand). VCF-style: chrX-53380180-C-T. GRCh37 (hg19) VCF-style: chrX-53407101-C-T.
Other names: c.3559G>A, p.Asp1187Asn (NM_001281463.1); short protein forms D1209N, D1187N.
Identifiers: ClinVar variation 2094007 (VCV002094007.4), dbSNP rs2520810087, ClinGen allele CA413241648.
Genomic context (GRCh38, chrX:53,380,180, plus strand): 5'-TGGGGTTGGCATCTGGGTACTTGGTGAGGTCGAAGGTCAGGACTTTGCTGATCACACAGT[C>T]CCCTTGCTGAAGGAGGAGGGAGAAAAAGAAAAATAAAATTGTAAGGAGAGAATTAAGAGG-3'
Protein context (NP_006297.2, residues 1199-1219): SLIGVYPEQG[Asp1209Asn]CVISKVLTFD